The following is an entry in ClinVar:

NM_019888.3(MC3R):c.864C>G (p.Ile288Met)

Gene: MC3R (melanocortin 3 receptor; plus strand). Cytogenetic location: 20q13.2.
Variant type: single nucleotide variant.
Coding change: c.864C>G on transcript NM_019888.3 (MANE Select); coding-DNA position 864, C replaced by G.
Protein change: p.Ile288Met; replaces isoleucine 288 with methionine.
Molecular consequence: missense variant.
Genome position (GRCh38, 1-based): chr20:56,249,707, C>G. VCF-style: chr20-56249707-C-G. GRCh37 (hg19) VCF-style: chr20-54824763-C-G.
Other names: short protein forms I288M.
Identifiers: ClinVar variation 3358706 (VCV003358706.2).

ClinVar aggregate classification (germline): Uncertain significance. Review status: criteria provided, single submitter (1 of 4 stars). 2 submissions from 2 submitters: Uncertain significance (1). 1 of the submissions does not count toward it. Last evaluated 2025-06-10.

Conditions:
MC3R-related disorder. Also called: MC3R-related condition.

Submissions (2):

Labcorp Genetics (formerly Invitae), Labcorp
Classification: Uncertain significance. Last evaluated: 2025-06-10. Review status: criteria provided, single submitter. Criteria: Invitae Variant Classification Sherloc (09022015). Collection method: clinical testing. Allele origin: germline.
Comment: This sequence change replaces isoleucine, which is neutral and non-polar, with methionine, which is neutral and non-polar, at codon 288 of the MC3R protein (p.Ile288Met). This variant is present in population databases (rs774275253, gnomAD 0.006%). This variant has not been reported in the literature in individuals affected with MC3R-related conditions. ClinVar contains an entry for this variant (Variation ID: 3358706). An algorithm developed to predict the effect of missense changes on protein structure and function (PolyPhen-2) suggests that this variant is likely to be disruptive. In summary, the available evidence is currently insufficient to determine the role of this variant in disease. Therefore, it has been classified as a Variant of Uncertain Significance.

PreventionGenetics, part of Exact Sciences
Classification: Uncertain significance for MC3R-related condition. Last evaluated: 2024-03-06. Review status: no assertion criteria provided. Collection method: clinical testing. Allele origin: germline. Not counted in ClinVar's aggregate classification.
Comment: The MC3R c.864C>G variant is predicted to result in the amino acid substitution p.Ile288Met. To our knowledge, this variant has not been reported in the literature. This variant is reported in 0.0058% of alleles in individuals of Latino descent in gnomAD. At this time, the clinical significance of this variant is uncertain due to the absence of conclusive functional and genetic evidence.